The following is an entry in ClinVar:

ClinVar aggregate classification (germline): Uncertain significance (1 of 4 stars; one submission).

Conditions:
Autosomal recessive limb-girdle muscular dystrophy type 2E (LGMDR4). Also called: MUSCULAR DYSTROPHY, LIMB-GIRDLE, AUTOSOMAL RECESSIVE 4. Identifiers: Orphanet 119, MedGen C1858593, MONDO:0011423, OMIM 604286. Disease mechanism: Affects gamma-sarcoglycan and also disrupts the integrity of the entire sarcoglycan complex..

Allele frequency attached by ClinVar (database versions not stated): gnomAD exomes below 0.00001; gnomAD 0.00001.
gnomAD v4.1: 2 of 1,614,022 alleles (0.00012%); highest among the groups gnomAD compares: Non-Finnish European, 0.00017%; no homozygotes.

Submission:

Labcorp Genetics (formerly Invitae), Labcorp
Classification: Uncertain significance for Autosomal recessive limb-girdle muscular dystrophy type 2E. Last evaluated: 2022-08-17. Review status: criteria provided, single submitter. Criteria: Invitae Variant Classification Sherloc (09022015). Collection method: clinical testing. Allele origin: germline.
Comment: In summary, the available evidence is currently insufficient to determine the role of this variant in disease. Therefore, it has been classified as a Variant of Uncertain Significance. Algorithms developed to predict the effect of missense changes on protein structure and function (SIFT, PolyPhen-2, Align-GVGD) all suggest that this variant is likely to be tolerated. This variant has not been reported in the literature in individuals affected with SGCB-related conditions. This sequence change replaces threonine, which is neutral and polar, with isoleucine, which is neutral and non-polar, at codon 266 of the SGCB protein (p.Thr266Ile). This variant is not present in population databases (gnomAD no frequency).

NM_000232.5(SGCB):c.797C>T (p.Thr266Ile)

Gene: SGCB (sarcoglycan beta; minus strand). Cytogenetic location: 4q12.
Variant type: single nucleotide variant.
Coding change: c.797C>T on transcript NM_000232.5 (MANE Select); coding-DNA position 797, C replaced by T.
Protein change: p.Thr266Ile; replaces threonine 266 with isoleucine.
Molecular consequence: missense variant.
Genome position (GRCh38, 1-based): chr4:52,024,117, G>A on the plus strand (C>T on the coding strand, the complement: SGCB is on the minus strand). VCF-style: chr4-52024117-G-A. GRCh37 (hg19) VCF-style: chr4-52890283-G-A.
Other names: short protein forms T266I.
Identifiers: ClinVar variation 1978204 (VCV001978204.5), dbSNP rs1253643464, ClinGen allele CA356875393.